The following is an entry in ClinVar:

ClinVar aggregate classification (germline): Uncertain significance (1 of 4 stars; one submission).

Conditions:
RASopathy. Also called: Noonan spectrum disorder; rasopathies. Identifiers: Orphanet 536391, MedGen C5555857, MONDO:0021060.

Submission:

Labcorp Genetics (formerly Invitae), Labcorp
Classification: Uncertain significance for RASopathy. Last evaluated: 2022-09-27. Review status: criteria provided, single submitter. Criteria: Invitae Variant Classification Sherloc (09022015). Collection method: clinical testing. Allele origin: germline.
Comment: In summary, the available evidence is currently insufficient to determine the role of this variant in disease. Therefore, it has been classified as a Variant of Uncertain Significance. Experimental studies and prediction algorithms are not available or were not evaluated, and the functional significance of this variant is currently unknown. This variant has not been reported in the literature in individuals affected with PTPN11-related conditions. This variant is a gross deletion of the genomic region encompassing exon(s) 10 of the PTPN11 gene. This variant would be expected to be in-frame, preserving the integrity of the reading frame.

NC_000012.11:g.(?_112919858)_(112920029_?)del

Gene: PTPN11 (protein tyrosine phosphatase non-receptor type 11; plus strand). Cytogenetic location: 12q24.13.
Variant type: Deletion.
Identifiers: ClinVar variation 2424544 (VCV002424544.4).